The following is an entry in ClinVar:

ClinVar aggregate classification (germline): Likely pathogenic (1 of 4 stars; one submission).

Conditions:
SLC3A1-related disorder. Also called: SLC3A1-related condition.

gnomAD v4.1: 1 of 1,614,058 alleles (0.000062%); highest among the groups gnomAD compares: Non-Finnish European, 0.000085%; no homozygotes.

Submission:

PreventionGenetics, part of Exact Sciences
Classification: Likely pathogenic for SLC3A1-related condition. Last evaluated: 2026-09-24. Review status: criteria provided, single submitter. Criteria: ACMG Guidelines, 2015. Collection method: clinical testing. Allele origin: germline.
Comment: The SLC3A1 c.854T>G variant is predicted to result in premature protein termination (p.Leu285*). To our knowledge, this variant has not been reported in the literature. This variant is reported in 0.00088% of alleles in individuals of European (Non-Finnish) descent in gnomAD. Nonsense variants in SLC3A1 are expected to be pathogenic. This variant is interpreted as likely pathogenic.

NM_000341.4(SLC3A1):c.854T>G (p.Leu285Ter)

Gene: SLC3A1 (solute carrier family 3 member 1; plus strand). Cytogenetic location: 2p21.
Variant type: single nucleotide variant.
Coding change: c.854T>G on transcript NM_000341.4 (MANE Select); coding-DNA position 854, T replaced by G.
Protein change: p.Leu285Ter; replaces leucine 285 with a stop codon.
Molecular consequence: nonsense.
Genome position (GRCh38, 1-based): chr2:44,286,120, T>G. VCF-style: chr2-44286120-T-G. GRCh37 (hg19) VCF-style: chr2-44513259-T-G.
Other names: short protein forms L285*.
Identifiers: ClinVar variation 4982226 (VCV004982226.1).